The following is an entry in ClinVar:

ClinVar aggregate classification (germline): Uncertain significance (1 of 4 stars; one submission).

Allele frequency attached by ClinVar (database versions not stated): ExAC 0.00001.
gnomAD v4.1: 1 of 1,613,334 alleles (0.000062%); highest among the groups gnomAD compares: Admixed American, 0.0017%; no homozygotes.

Submission:

Labcorp Genetics (formerly Invitae), Labcorp
Classification: Uncertain significance. Last evaluated: 2022-08-16. Review status: criteria provided, single submitter. Criteria: Invitae Variant Classification Sherloc (09022015). Collection method: clinical testing. Allele origin: germline.
Comment: This sequence change replaces glycine, which is neutral and non-polar, with cysteine, which is neutral and slightly polar, at codon 62 of the IFT43 protein (p.Gly62Cys). This variant is present in population databases (rs761618241, gnomAD 0.003%). This variant has not been reported in the literature in individuals affected with IFT43-related conditions. Algorithms developed to predict the effect of missense changes on protein structure and function are either unavailable or do not agree on the potential impact of this missense change (SIFT: "Deleterious"; PolyPhen-2: "Probably Damaging"; Align-GVGD: "Class C0"). In summary, the available evidence is currently insufficient to determine the role of this variant in disease. Therefore, it has been classified as a Variant of Uncertain Significance.

NM_001102564.3(IFT43):c.184G>T (p.Gly62Cys)

Gene: IFT43 (intraflagellar transport 43; plus strand). Cytogenetic location: 14q24.3.
Variant type: single nucleotide variant.
Coding change: c.184G>T on transcript NM_001102564.3 (MANE Select); coding-DNA position 184, G replaced by T.
Protein change: p.Gly62Cys; replaces glycine 62 with cysteine.
Molecular consequence: missense variant. On other transcripts: non-coding transcript variant (2).
Genome position (GRCh38, 1-based): chr14:76,022,363, G>T. VCF-style: chr14-76022363-G-T. GRCh37 (hg19) VCF-style: chr14-76488706-G-T.
Other names: c.184G>T, p.Gly62Cys (NM_001255995.3, NM_052873.3); short protein forms G62C.
Identifiers: ClinVar variation 2413811 (VCV002413811.6), dbSNP rs761618241, ClinGen allele CA7280685.